The following is an entry in ClinVar:

ClinVar aggregate classification (germline): Pathogenic (1 of 4 stars; one submission).

Conditions:
Nemaline myopathy 2 (NEM2). Also called: Nemaline myopathy 2, autosomal recessive. Identifiers: MedGen C1850569, MONDO:0009725, OMIM 256030.

Submission:

Myriad Genetics, Inc.
Classification: Pathogenic for Nemaline myopathy 2. Last evaluated: 2024-11-22. Review status: criteria provided, single submitter. Criteria: Myriad Autosomal Dominant, Autosomal Recessive and X-Linked Classification Criteria (2023). Collection method: clinical testing. Allele origin: unknown.
Comment: NM_001271208.1(NEB):c.3510C>G(Y1170*) is expected to be pathogenic in the context of NEB-related nemaline myopathy. This variant is predicted to lead to an abnormal or absent protein product due to the creation of a premature termination codon in NEB, a gene where loss-of-function variants are known to be pathogenic. Please note: this variant was assessed in the context of healthy population screening.

NM_001164508.2(NEB):c.3510C>G (p.Tyr1170Ter)

Gene: NEB (nebulin; minus strand). Cytogenetic location: 2q23.3.
Variant type: single nucleotide variant.
Coding change: c.3510C>G on transcript NM_001164508.2 (MANE Select); coding-DNA position 3510, C replaced by G.
Protein change: p.Tyr1170Ter; replaces tyrosine 1170 with a stop codon.
Molecular consequence: nonsense.
Genome position (GRCh38, 1-based): chr2:151,677,933, G>C on the plus strand (C>G on the coding strand, the complement: NEB is on the minus strand). VCF-style: chr2-151677933-G-C. GRCh37 (hg19) VCF-style: chr2-152534447-G-C.
Other names: c.3510C>G, p.Tyr1170Ter (NM_001164507.2, NM_001271208.2, NM_004543.5); short protein forms Y1170*.
Identifiers: ClinVar variation 5013787 (VCV005013787.1).
Genomic context (GRCh38, chr2:151,677,933, plus strand): 5'-TACATCACTCTGTATCTGCATCATGTTCTTAGACAGCTCCAGGTCCATGGCGTCAGGCAA[G>C]TAGGTGTAATGATGGAGAGAATGCTTATAGTTGACATTGCTGACCACATCCTGGGCTTTC-3'